The following is an entry in ClinVar:

NM_004260.4(RECQL4):c.3383G>A (p.Gly1128Glu)

Gene: RECQL4 (RecQ like helicase 4; minus strand). Cytogenetic location: 8q24.3.
Variant type: single nucleotide variant.
Coding change: c.3383G>A on transcript NM_004260.4 (MANE Select); coding-DNA position 3383, G replaced by A.
Protein change: p.Gly1128Glu; replaces glycine 1128 with glutamic acid.
Molecular consequence: missense variant.
Genome position (GRCh38, 1-based): chr8:144,511,921, C>T on the plus strand (G>A on the coding strand, the complement: RECQL4 is on the minus strand). VCF-style: chr8-144511921-C-T. GRCh37 (hg19) VCF-style: chr8-145737304-C-T.
Other names: short protein forms G1128E.
Identifiers: ClinVar variation 945804 (VCV000945804.7), dbSNP rs755845445, ClinGen allele CA372667994.

ClinVar aggregate classification (germline): Uncertain significance. Review status: criteria provided, multiple submitters, no conflicts (2 of 4 stars). 2 submissions from 2 submitters: Uncertain significance (2). Last evaluated 2026-06-08.

Conditions:
Inborn genetic diseases. Identifiers: MedGen C0950123, MeSH D030342.
Baller-Gerold syndrome (BGS). Also called: CRANIOSYNOSTOSIS WITH RADIAL DEFECTS. Identifiers: Orphanet 1225, MedGen C0265308, MONDO:0009039, OMIM 218600.

Submissions (2):

Ambry Genetics
Classification: Uncertain significance for Inborn genetic diseases. Last evaluated: 2026-06-08. Review status: criteria provided, single submitter. Criteria: Ambry Variant Classification Scheme 2023. Collection method: clinical testing. Allele origin: germline.
Comment: The p.G1128E variant (also known as c.3383G>A), located in coding exon 19 of the RECQL4 gene, results from a G to A substitution at nucleotide position 3383. The glycine at codon 1128 is replaced by glutamic acid, an amino acid with similar properties. This amino acid position is conserved. In addition, this alteration is predicted to be tolerated by in silico analysis. Based on the available evidence, the clinical significance of this variant remains unclear.

Labcorp Genetics (formerly Invitae), Labcorp
Classification: Uncertain significance for Baller-Gerold syndrome. Last evaluated: 2023-06-30. Review status: criteria provided, single submitter. Criteria: Invitae Variant Classification Sherloc (09022015). Collection method: clinical testing. Allele origin: germline.
Comment: ClinVar contains an entry for this variant (Variation ID: 945804). In summary, the available evidence is currently insufficient to determine the role of this variant in disease. Therefore, it has been classified as a Variant of Uncertain Significance. Advanced modeling of protein sequence and biophysical properties (such as structural, functional, and spatial information, amino acid conservation, physicochemical variation, residue mobility, and thermodynamic stability) performed at Invitae indicates that this missense variant is not expected to disrupt RECQL4 protein function. This variant has not been reported in the literature in individuals affected with RECQL4-related conditions. This variant is not present in population databases (gnomAD no frequency). This sequence change replaces glycine, which is neutral and non-polar, with glutamic acid, which is acidic and polar, at codon 1128 of the RECQL4 protein (p.Gly1128Glu).